The following is an entry in ClinVar:

NM_001352754.2(ARMC9):c.787C>G (p.Pro263Ala)

Gene: ARMC9 (armadillo repeat containing 9; plus strand). Cytogenetic location: 2q37.1.
Variant type: single nucleotide variant.
Coding change: c.787C>G on transcript NM_001352754.2 (MANE Select); coding-DNA position 787, C replaced by G.
Protein change: p.Pro263Ala; replaces proline 263 with alanine.
Molecular consequence: missense variant. On other transcripts: non-coding transcript variant (1), intron variant (2).
Genome position (GRCh38, 1-based): chr2:231,239,949, C>G. VCF-style: chr2-231239949-C-G. GRCh37 (hg19) VCF-style: chr2-232104662-C-G.
Other names: c.787C>G, p.Pro263Ala (NM_001271466.4, NM_001291656.2, NM_001352755.2 and 3 more transcripts); c.780+4568C>G (NM_001352757.2, NM_001352758.2); short protein forms P263A.
Identifiers: ClinVar variation 2003352 (VCV002003352.3), dbSNP rs770729150, ClinGen allele CA2160050.

ClinVar aggregate classification (germline): Uncertain significance. Review status: criteria provided, multiple submitters, no conflicts (2 of 4 stars). 2 submissions from 2 submitters: Uncertain significance (2). Last evaluated 2025-05-05.

Conditions:
Inborn genetic diseases. Identifiers: MedGen C0950123, MeSH D030342.

Allele frequency attached by ClinVar (database versions not stated): TOPMed below 0.00001; ExAC 0.00001.
gnomAD v4.1: 2 of 1,613,866 alleles (0.00012%); highest among the groups gnomAD compares: Admixed American, 0.0017%; no homozygotes.

Submissions (2):

Labcorp Genetics (formerly Invitae), Labcorp
Classification: Uncertain significance. Last evaluated: 2025-05-05. Review status: criteria provided, single submitter. Criteria: Invitae Variant Classification Sherloc (09022015). Collection method: clinical testing. Allele origin: germline.
Comment: This sequence change replaces proline, which is neutral and non-polar, with alanine, which is neutral and non-polar, at codon 263 of the ARMC9 protein (p.Pro263Ala). This variant is present in population databases (rs770729150, gnomAD 0.003%). This variant has not been reported in the literature in individuals affected with ARMC9-related conditions. ClinVar contains an entry for this variant (Variation ID: 2003352). Experimental studies and prediction algorithms are not available or were not evaluated, and the functional significance of this variant is currently unknown. In summary, the available evidence is currently insufficient to determine the role of this variant in disease. Therefore, it has been classified as a Variant of Uncertain Significance.

Ambry Genetics
Classification: Uncertain significance for Inborn genetic diseases. Last evaluated: 2021-09-16. Review status: criteria provided, single submitter. Criteria: Ambry Variant Classification Scheme 2023. Collection method: clinical testing. Allele origin: germline.